The following is an entry in ClinVar:

NM_005219.5(DIAPH1):c.1961C>A (p.Pro654His)

Gene: DIAPH1 (diaphanous related formin 1; minus strand). Cytogenetic location: 5q31.3.
Variant type: single nucleotide variant.
Coding change: c.1961C>A on transcript NM_005219.5 (MANE Select); coding-DNA position 1961, C replaced by A.
Protein change: p.Pro654His; replaces proline 654 with histidine.
Molecular consequence: missense variant.
Genome position (GRCh38, 1-based): chr5:141,573,889, G>T on the plus strand (C>A on the coding strand, the complement: DIAPH1 is on the minus strand). VCF-style: chr5-141573889-G-T. GRCh37 (hg19) VCF-style: chr5-140953456-G-T.
Other names: c.1934C>A, p.Pro645His (NM_001079812.3); c.1961C>A, p.Pro654His (NM_001314007.2); short protein forms P645H, P654H.
Identifiers: ClinVar variation 3763053 (VCV003763053.2).

ClinVar aggregate classification (germline): Uncertain significance (1 of 4 stars; one submission).

Conditions:
Autosomal dominant nonsyndromic hearing loss 1. Also called: KONIGSMARK SYNDROME; DEAFNESS, AUTOSOMAL DOMINANT 1, WITH OR WITHOUT THROMBOCYTOPENIA. Identifiers: Orphanet 90635, MedGen C1852282, MONDO:0007424, OMIM 124900.
Progressive microcephaly-seizures-cortical blindness-developmental delay syndrome. Also called: Seizures, cortical blindness, and microcephaly syndrome. Identifiers: Orphanet 477814, MedGen C5567650, MONDO:0014714, OMIM 616632.

gnomAD v4.1: 1 of 1,546,326 alleles (0.000065%); highest among the groups gnomAD compares: Non-Finnish European, 0.000087%; no homozygotes.

Submission:

Labcorp Genetics (formerly Invitae), Labcorp
Classification: Uncertain significance for Progressive microcephaly-seizures-cortical blindness-developmental delay syndrome; Autosomal dominant nonsyndromic hearing loss 1. Last evaluated: 2024-04-15. Review status: criteria provided, single submitter. Criteria: Invitae Variant Classification Sherloc (09022015). Collection method: clinical testing. Allele origin: germline.
Comment: This sequence change replaces proline, which is neutral and non-polar, with histidine, which is basic and polar, at codon 654 of the DIAPH1 protein (p.Pro654His). This variant is not present in population databases (gnomAD no frequency). This variant has not been reported in the literature in individuals affected with DIAPH1-related conditions. Experimental studies and prediction algorithms are not available or were not evaluated, and the functional significance of this variant is currently unknown. In summary, the available evidence is currently insufficient to determine the role of this variant in disease. Therefore, it has been classified as a Variant of Uncertain Significance.